The following is an entry in ClinVar:

ClinVar aggregate classification (germline): Uncertain significance. Review status: criteria provided, multiple submitters, no conflicts (2 of 4 stars). 3 submissions from 3 submitters: Uncertain significance (3). Last evaluated 2025-10-07.

Conditions:
Hypertrophic cardiomyopathy 14. Identifiers: MedGen C2750467, MONDO:0013197, OMIM 613251.
Cardiovascular phenotype. Identifiers: MedGen CN230736.

Allele frequency attached by ClinVar (database versions not stated): TOPMed 0.00001.
gnomAD v4.1: 18 of 1,613,434 alleles (0.0011%); highest among the groups gnomAD compares: Admixed American, 0.0033%; no homozygotes.

Submissions (3):

Ambry Genetics
Classification: Uncertain significance for Cardiovascular phenotype. Last evaluated: 2025-10-07. Review status: criteria provided, single submitter. Criteria: Ambry Variant Classification Scheme 2023. Collection method: clinical testing. Allele origin: germline.

Labcorp Genetics (formerly Invitae), Labcorp
Classification: Uncertain significance for Hypertrophic cardiomyopathy 14. Last evaluated: 2023-07-17. Review status: criteria provided, single submitter. Criteria: Invitae Variant Classification Sherloc (09022015). Collection method: clinical testing. Allele origin: germline.
Comment: This sequence change replaces arginine, which is basic and polar, with glutamine, which is neutral and polar, at codon 1822 of the MYH6 protein (p.Arg1822Gln). This variant is present in population databases (no rsID available, gnomAD 0.006%). This variant has not been reported in the literature in individuals affected with MYH6-related conditions. ClinVar contains an entry for this variant (Variation ID: 537964). Advanced modeling of protein sequence and biophysical properties (such as structural, functional, and spatial information, amino acid conservation, physicochemical variation, residue mobility, and thermodynamic stability) performed at Invitae indicates that this missense variant is not expected to disrupt MYH6 protein function. In summary, the available evidence is currently insufficient to determine the role of this variant in disease. Therefore, it has been classified as a Variant of Uncertain Significance.

CeGaT Center for Human Genetics Tuebingen
Classification: Uncertain significance. Last evaluated: 2022-12-01. Review status: criteria provided, single submitter. Criteria: CeGaT Center For Human Genetics Tuebingen Variant Classification Criteria Version 2. Collection method: clinical testing. Allele origin: germline. Affected: yes. Observed: 1 variant allele.

NM_002471.4(MYH6):c.5465G>A (p.Arg1822Gln)

Gene: MYH6 (myosin heavy chain 6; minus strand). Cytogenetic location: 14q11.2.
Variant type: single nucleotide variant.
Coding change: c.5465G>A on transcript NM_002471.4 (MANE Select); coding-DNA position 5465, G replaced by A.
Protein change: p.Arg1822Gln; replaces arginine 1822 with glutamine.
Molecular consequence: missense variant.
Genome position (GRCh38, 1-based): chr14:23,384,542, C>T on the plus strand (G>A on the coding strand, the complement: MYH6 is on the minus strand). VCF-style: chr14-23384542-C-T. GRCh37 (hg19) VCF-style: chr14-23853751-C-T.
Other names: short protein forms R1822Q.
Identifiers: ClinVar variation 537964 (VCV000537964.32), dbSNP rs1298835458, ClinGen allele CA388984245.